The following is an entry in ClinVar:

NM_006267.5(RANBP2):c.2734C>G (p.Gln912Glu)

Gene: RANBP2 (RAN binding protein 2; plus strand). Cytogenetic location: 2q13.
Variant type: single nucleotide variant.
Coding change: c.2734C>G on transcript NM_006267.5 (MANE Select); coding-DNA position 2734, C replaced by G.
Protein change: p.Gln912Glu; replaces glutamine 912 with glutamic acid.
Molecular consequence: missense variant.
Genome position (GRCh38, 1-based): chr2:108,763,273, C>G. VCF-style: chr2-108763273-C-G. GRCh37 (hg19) VCF-style: chr2-109379729-C-G.
Other names: short protein forms Q912E.
Identifiers: ClinVar variation 1372239 (VCV001372239.9), dbSNP rs2149270626, ClinGen allele CA348059303.

ClinVar aggregate classification (germline): Uncertain significance (1 of 4 stars; one submission).

Conditions:
Familial acute necrotizing encephalopathy (IIAE3). Also called: ENCEPHALOPATHY, ACUTE, INFECTION-INDUCED, SUSCEPTIBILITY TO, 3; Susceptibility to Acute Necrotizing Encephalopathy 1. Identifiers: Orphanet 88619, MedGen C2675556, MONDO:0011953, OMIM 608033.

Submission:

Labcorp Genetics (formerly Invitae), Labcorp
Classification: Uncertain significance for Familial acute necrotizing encephalopathy. Last evaluated: 2024-02-24. Review status: criteria provided, single submitter. Criteria: Invitae Variant Classification Sherloc (09022015). Collection method: clinical testing. Allele origin: germline.
Comment: This sequence change replaces glutamine, which is neutral and polar, with glutamic acid, which is acidic and polar, at codon 912 of the RANBP2 protein (p.Gln912Glu). This variant is not present in population databases (gnomAD no frequency). This variant has not been reported in the literature in individuals affected with RANBP2-related conditions. ClinVar contains an entry for this variant (Variation ID: 1372239). An algorithm developed to predict the effect of missense changes on protein structure and function (PolyPhen-2) suggests that this variant is likely to be tolerated. In summary, the available evidence is currently insufficient to determine the role of this variant in disease. Therefore, it has been classified as a Variant of Uncertain Significance.